The following is an entry in ClinVar:

ClinVar aggregate classification (germline): Uncertain significance (0 of 4 stars; one submission).

Conditions:
EP300-related disorder. Also called: EP300-related disorders; EP300-related condition.

gnomAD v4.1: 1 of 1,614,036 alleles (0.000062%); highest among the groups gnomAD compares: Non-Finnish European, 0.000085%; no homozygotes.

Submission:

PreventionGenetics, part of Exact Sciences
Classification: Uncertain significance for EP300-related condition. Last evaluated: 2024-05-20. Review status: no assertion criteria provided. Collection method: clinical testing. Allele origin: germline.
Comment: The EP300 c.4513G>A variant is predicted to result in the amino acid substitution p.Glu1505Lys. To our knowledge, this variant has not been reported in the literature or in a large population database, indicating this variant is rare. At this time, the clinical significance of this variant is uncertain due to the absence of conclusive functional and genetic evidence.

NM_001429.4(EP300):c.4513G>A (p.Glu1505Lys)

Gene: EP300 (E1A binding protein p300; plus strand). Cytogenetic location: 22q13.2.
Variant type: single nucleotide variant.
Coding change: c.4513G>A on transcript NM_001429.4 (MANE Select); coding-DNA position 4513, G replaced by A.
Protein change: p.Glu1505Lys; replaces glutamic acid 1505 with lysine.
Molecular consequence: missense variant.
Genome position (GRCh38, 1-based): chr22:41,172,559, G>A. VCF-style: chr22-41172559-G-A. GRCh37 (hg19) VCF-style: chr22-41568563-G-A.
Other names: c.4435G>A, p.Glu1479Lys (NM_001362843.2); short protein forms E1479K, E1505K.
Identifiers: ClinVar variation 3353413 (VCV003353413.1).
Genomic context (GRCh38, chr22:41,172,559, plus strand): 5'-GATATTTTTAAACAAGCTACTGAAGATAGATTAACAAGTGCAAAGGAATTGCCTTATTTC[G>A]AGGGTGATTTCTGGCCCAATGTTCTGGAAGAAAGCATTAAGGAACTGGAACAGGAGGAAG-3'
Protein context (NP_001420.2, residues 1495-1515): LTSAKELPYF[Glu1505Lys]GDFWPNVLEE